The following is an entry in ClinVar:

NM_000322.5(PRPH2):c.619_654dup (p.Ser218_Pro219insAspGlyValProPheSerCysCysAsnProSerSer)

Gene: PRPH2 (peripherin 2; minus strand). Cytogenetic location: 6p21.1.
Variant type: Duplication.
Coding change: c.619_654dup on transcript NM_000322.5 (MANE Select); coding-DNA positions 619 to 654, 36 bases duplicated.
Protein change: p.Ser218_Pro219insAspGlyValProPheSerCysCysAsnProSerSer.
Molecular consequence: inframe insertion.
Genome position (GRCh38, 1-based): chr6:42,704,539-42,704,574, 36 bases duplicated; duplicating any 36 consecutive bases within chr6:42,704,539-42,704,575 gives the same sequence; the c. name uses the placement nearest the transcript's 3' end. GRCh37 (hg19): chr6:42,672,278-42,672,313.
Identifiers: ClinVar variation 1968114 (VCV001968114.5), dbSNP rs2548300793, ClinGen allele CA2580074613.

ClinVar aggregate classification (germline): Uncertain significance (1 of 4 stars; one submission).

Conditions:
PRPH2-related disorder. Also called: PRPH2-related disorders; PRPH2-related condition. Identifiers: MedGen CN239395.

Submission:

Labcorp Genetics (formerly Invitae), Labcorp
Classification: Uncertain significance for PRPH2-related disorder. Last evaluated: 2021-12-15. Review status: criteria provided, single submitter. Criteria: Invitae Variant Classification Sherloc (09022015). Collection method: clinical testing. Allele origin: germline.
Comment: In summary, the available evidence is currently insufficient to determine the role of this variant in disease. Therefore, it has been classified as a Variant of Uncertain Significance. Algorithms developed to predict the effect of sequence changes on RNA splicing suggest that this variant may create or strengthen a splice site. This variant has not been reported in the literature in individuals affected with PRPH2-related conditions. This variant is not present in population databases (gnomAD no frequency). This variant, c.619_654dup, results in the insertion of 12 amino acid(s) of the PRPH2 protein (p.Asp207_Ser218dup), but otherwise preserves the integrity of the reading frame.